The following is an entry in ClinVar:

NM_000722.4(CACNA2D1):c.2923A>G (p.Ser975Gly)

Gene: CACNA2D1 (calcium voltage-gated channel auxiliary subunit alpha2delta 1; minus strand). Cytogenetic location: 7q21.11.
Variant type: single nucleotide variant.
Coding change: c.2923A>G on transcript NM_000722.4 (MANE Select); coding-DNA position 2923, A replaced by G.
Protein change: p.Ser975Gly; replaces serine 975 with glycine.
Molecular consequence: missense variant.
Genome position (GRCh38, 1-based): chr7:81,961,937, T>C on the plus strand (A>G on the coding strand, the complement: CACNA2D1 is on the minus strand). VCF-style: chr7-81961937-T-C. GRCh37 (hg19) VCF-style: chr7-81591253-T-C.
Other names: c.2959A>G, p.Ser987Gly (NM_001366867.1); short protein forms S975G, S987G.
Identifiers: ClinVar variation 1797731 (VCV001797731.8), dbSNP rs1331324030, ClinGen allele CA367882086.

ClinVar aggregate classification (germline): Uncertain significance. Review status: criteria provided, multiple submitters, no conflicts (2 of 4 stars). 2 submissions from 2 submitters: Uncertain significance (2). Last evaluated 2024-10-24.

Conditions:
Cardiovascular phenotype. Identifiers: MedGen CN230736.
Brugada syndrome. Also called: Sudden unexpected nocturnal death syndrome; Sudden unexplained nocturnal death syndrome; Sudden Unexplained Death Syndrome; Sudden Unexplained Nocturnal Death Syndrome (SUNDS). Identifiers: Orphanet 130, MedGen C1142166, MONDO:0015263.

Allele frequency attached by ClinVar (database versions not stated): gnomAD exomes 0.00001; TOPMed 0.00001.
gnomAD v4.1: 9 of 1,611,454 alleles (0.00056%); highest among the groups gnomAD compares: South Asian, 0.0033%; no homozygotes.

Submissions (2):

Ambry Genetics
Classification: Uncertain significance for Cardiovascular phenotype. Last evaluated: 2024-10-24. Review status: criteria provided, single submitter. Criteria: Ambry Variant Classification Scheme 2023. Collection method: clinical testing. Allele origin: germline.
Comment: The p.S975G variant (also known as c.2923A>G), located in coding exon 36 of the CACNA2D1 gene, results from an A to G substitution at nucleotide position 2923. The serine at codon 975 is replaced by glycine, an amino acid with similar properties. This amino acid position is not well conserved in available vertebrate species. In addition, this alteration is predicted to be tolerated by in silico analysis. Since supporting evidence is limited at this time, the clinical significance of this alteration remains unclear.

Labcorp Genetics (formerly Invitae), Labcorp
Classification: Uncertain significance for Brugada syndrome. Last evaluated: 2022-01-01. Review status: criteria provided, single submitter. Criteria: Invitae Variant Classification Sherloc (09022015). Collection method: clinical testing. Allele origin: germline.
Comment: In summary, the available evidence is currently insufficient to determine the role of this variant in disease. Therefore, it has been classified as a Variant of Uncertain Significance. Algorithms developed to predict the effect of sequence changes on RNA splicing suggest that this variant may create or strengthen a splice site. Algorithms developed to predict the effect of missense changes on protein structure and function (SIFT, PolyPhen-2, Align-GVGD) all suggest that this variant is likely to be tolerated. This variant has not been reported in the literature in individuals affected with CACNA2D1-related conditions. This variant is present in population databases (no rsID available, gnomAD 0.003%). This sequence change replaces serine, which is neutral and polar, with glycine, which is neutral and non-polar, at codon 975 of the CACNA2D1 protein (p.Ser975Gly).